The following is an entry in ClinVar:

NM_000497.4(CYP11B1):c.1196C>G (p.Ala399Gly)

Genes: CYP11B1 (cytochrome P450 family 11 subfamily B member 1; minus strand), LOC106799833 (CYP11B1 recombination region; plus strand). Cytogenetic location: 8q24.3.
Variant type: single nucleotide variant.
Coding change: c.1196C>G on transcript NM_000497.4 (MANE Select); coding-DNA position 1196, C replaced by G.
Protein change: p.Ala399Gly; replaces alanine 399 with glycine.
Molecular consequence: missense variant.
Genome position (GRCh38, 1-based): chr8:142,875,238, G>C on the plus strand (C>G on the coding strand, the complement: CYP11B1 is on the minus strand). VCF-style: chr8-142875238-G-C. GRCh37 (hg19) VCF-style: chr8-143956654-G-C.
Other names: c.1196C>G, p.Ala399Gly (NM_001026213.1); short protein forms A399G.
Identifiers: ClinVar variation 1906418 (VCV001906418.2), dbSNP rs758341908, ClinGen allele CA372392160.
Genomic context (GRCh38, chr8:142,875,238, plus strand): 5'-TCAGGGAATGACTGGGGAGGGAGGTTCTCAGCTCGAGGGGTGTGGGGCTCACTCACCCCA[G>C]CTGGGATGTGGTAGTTCTGAAGCACCAAGTCTGAGCTCGCCACTCGCTCCAGAAACAGAC-3'
Protein context (NP_000488.3, residues 389-409): DLVLQNYHIP[Ala399Gly]GTLVRVFLYS

ClinVar aggregate classification (germline): Uncertain significance (1 of 4 stars; one submission).

Submission:

Labcorp Genetics (formerly Invitae), Labcorp
Classification: Uncertain significance. Last evaluated: 2022-07-06. Review status: criteria provided, single submitter. Criteria: Invitae Variant Classification Sherloc (09022015). Collection method: clinical testing. Allele origin: germline.
Comment: This sequence change replaces alanine, which is neutral and non-polar, with glycine, which is neutral and non-polar, at codon 399 of the CYP11B1 protein (p.Ala399Gly). This variant is not present in population databases (gnomAD no frequency). This variant has not been reported in the literature in individuals affected with CYP11B1-related conditions. Advanced modeling of protein sequence and biophysical properties (such as structural, functional, and spatial information, amino acid conservation, physicochemical variation, residue mobility, and thermodynamic stability) performed at Invitae indicates that this missense variant is not expected to disrupt CYP11B1 protein function. Algorithms developed to predict the effect of sequence changes on RNA splicing suggest that this variant may disrupt the consensus splice site. In summary, the available evidence is currently insufficient to determine the role of this variant in disease. Therefore, it has been classified as a Variant of Uncertain Significance.